The following is an entry in ClinVar:

NM_001042492.3(NF1):c.5533A>G (p.Ile1845Val)

Gene: NF1 (neurofibromin 1; plus strand). Cytogenetic location: 17q11.2.
Variant type: single nucleotide variant.
Coding change: c.5533A>G on transcript NM_001042492.3 (MANE Select); coding-DNA position 5533, A replaced by G.
Protein change: p.Ile1845Val; replaces isoleucine 1845 with valine.
Molecular consequence: missense variant.
Genome position (GRCh38, 1-based): chr17:31,327,763, A>G. VCF-style: chr17-31327763-A-G. GRCh37 (hg19) VCF-style: chr17-29654781-A-G.
Other names: c.5470A>G, p.Ile1824Val (NM_000267.4); short protein forms I1824V, I1845V.
Identifiers: ClinVar variation 4807981 (VCV004807981.1).

ClinVar aggregate classification (germline): Uncertain significance (1 of 4 stars; one submission).

Conditions:
Neurofibromatosis, type 1 (NF1). Also called: Peripheral type neurofibromatosis; Neurofibromatosis, type I; NEUROFIBROMATOSIS, TYPE I, SOMATIC; VON RECKLINGHAUSEN DISEASE. Identifiers: Orphanet 636, MedGen C0027831, MONDO:0018975, OMIM 162200. Disease mechanism: loss of function.

Submission:

Labcorp Genetics (formerly Invitae), Labcorp
Classification: Uncertain significance for Neurofibromatosis, type 1. Last evaluated: 2025-11-20. Review status: criteria provided, single submitter. Criteria: Invitae Variant Classification Sherloc (09022015). Collection method: clinical testing. Allele origin: germline.
Comment: This sequence change replaces isoleucine, which is neutral and non-polar, with valine, which is neutral and non-polar, at codon 1824 of the NF1 protein (p.Ile1824Val). This variant is not present in population databases (gnomAD no frequency). This variant has not been reported in the literature in individuals affected with NF1-related conditions. Invitae Evidence Modeling of protein sequence and biophysical properties (such as structural, functional, and spatial information, amino acid conservation, physicochemical variation, residue mobility, and thermodynamic stability) indicates that this missense variant is expected to disrupt NF1 protein function with a positive predictive value of 95%. This variant disrupts the p.Ile1824 amino acid residue in NF1. Other variant(s) that disrupt this residue have been determined to be pathogenic (PMID: 18041031). This suggests that this residue is clinically significant, and that variants that disrupt this residue are likely to be disease-causing. In summary, the available evidence is currently insufficient to determine the role of this variant in disease. Therefore, it has been classified as a Variant of Uncertain Significance.

Literature cited by the submitters: PubMed 18041031.